The following is an entry in ClinVar:

ClinVar aggregate classification (germline): Uncertain significance (1 of 4 stars; one submission).

Conditions:
Glycine encephalopathy. Also called: Nonketotic hyperglycinemia; Non-ketotic hyperglycinemia. Identifiers: Orphanet 407, MedGen C0751748, MONDO:0011612, HP:0008288.

Submission:

Labcorp Genetics (formerly Invitae), Labcorp
Classification: Uncertain significance for Glycine encephalopathy. Last evaluated: 2024-03-01. Review status: criteria provided, single submitter. Criteria: Invitae Variant Classification Sherloc (09022015). Collection method: clinical testing. Allele origin: germline.
Comment: This sequence change replaces glycine, which is neutral and non-polar, with alanine, which is neutral and non-polar, at codon 556 of the GLDC protein (p.Gly556Ala). This variant is not present in population databases (gnomAD no frequency). This variant has not been reported in the literature in individuals affected with GLDC-related conditions. An algorithm developed to predict the effect of missense changes on protein structure and function (PolyPhen-2) suggests that this variant is likely to be disruptive. In summary, the available evidence is currently insufficient to determine the role of this variant in disease. Therefore, it has been classified as a Variant of Uncertain Significance.

NM_000170.3(GLDC):c.1667G>C (p.Gly556Ala)

Gene: GLDC (glycine decarboxylase; minus strand). Cytogenetic location: 9p24.1.
Variant type: single nucleotide variant.
Coding change: c.1667G>C on transcript NM_000170.3 (MANE Select); coding-DNA position 1667, G replaced by C.
Protein change: p.Gly556Ala; replaces glycine 556 with alanine.
Molecular consequence: missense variant.
Genome position (GRCh38, 1-based): chr9:6,588,441, C>G on the plus strand (G>C on the coding strand, the complement: GLDC is on the minus strand). VCF-style: chr9-6588441-C-G. GRCh37 (hg19) VCF-style: chr9-6588441-C-G.
Other names: short protein forms G556A.
Identifiers: ClinVar variation 3624729 (VCV003624729.2).